The following is an entry in ClinVar:

ClinVar aggregate classification (germline): Uncertain significance (1 of 4 stars; one submission).

Conditions:
Hereditary sensory and autonomic neuropathy type 7. Also called: Neuropathy, hereditary sensory and autonomic, type VII; HSAN VII. Identifiers: Orphanet 391397, MedGen C3809882, MONDO:0014244, OMIM 615548.
Familial episodic pain syndrome with predominantly lower limb involvement. Also called: Episodic pain syndrome, familial, 3. Identifiers: Orphanet 391384, Orphanet 391392, MedGen C3809899, MONDO:0014247, OMIM 615552.

Allele frequency attached by ClinVar (database versions not stated): gnomAD exomes below 0.00001; TOPMed below 0.00001.
gnomAD v4.1: 1 of 1,614,086 alleles (0.000062%); highest among the groups gnomAD compares: Non-Finnish European, 0.000085%; no homozygotes.

Submission:

Labcorp Genetics (formerly Invitae), Labcorp
Classification: Uncertain significance for Familial episodic pain syndrome with predominantly lower limb involvement; Hereditary sensory and autonomic neuropathy type 7. Last evaluated: 2020-11-02. Review status: criteria provided, single submitter. Criteria: Invitae Variant Classification Sherloc (09022015). Collection method: clinical testing. Allele origin: germline.
Comment: This sequence change replaces isoleucine with valine at codon 291 of the SCN11A protein (p.Ile291Val). The isoleucine residue is weakly conserved and there is a small physicochemical difference between isoleucine and valine. This variant is not present in population databases (ExAC no frequency). This variant has not been reported in the literature in individuals with SCN11A-related conditions. Algorithms developed to predict the effect of missense changes on protein structure and function output the following: SIFT: "Tolerated"; PolyPhen-2: "Benign"; Align-GVGD: "Class C0". The valine amino acid residue is found in multiple mammalian species, suggesting that this missense change does not adversely affect protein function. These predictions have not been confirmed by published functional studies and their clinical significance is uncertain. Algorithms developed to predict the effect of sequence changes on RNA splicing suggest that this variant may create or strengthen a splice site, but this prediction has not been confirmed by published transcriptional studies. In summary, the available evidence is currently insufficient to determine the role of this variant in disease. Therefore, it has been classified as a Variant of Uncertain Significance.

NM_001349253.2(SCN11A):c.871A>G (p.Ile291Val)

Gene: SCN11A (sodium voltage-gated channel alpha subunit 11; minus strand). Cytogenetic location: 3p22.2.
Variant type: single nucleotide variant.
Coding change: c.871A>G on transcript NM_001349253.2 (MANE Select); coding-DNA position 871, A replaced by G.
Protein change: p.Ile291Val; replaces isoleucine 291 with valine.
Molecular consequence: missense variant.
Genome position (GRCh38, 1-based): chr3:38,921,097, T>C on the plus strand (A>G on the coding strand, the complement: SCN11A is on the minus strand). VCF-style: chr3-38921097-T-C. GRCh37 (hg19) VCF-style: chr3-38962588-T-C.
Other names: c.871A>G, p.Ile291Val (NM_014139.3); short protein forms I291V.
Identifiers: ClinVar variation 1463509 (VCV001463509.8), dbSNP rs1250074487, ClinGen allele CA352171929.